The following is an entry in ClinVar:

ClinVar aggregate classification (germline): Uncertain significance. Review status: criteria provided, multiple submitters, no conflicts (2 of 4 stars). 3 submissions from 3 submitters: Uncertain significance (3). Last evaluated 2026-01-08.

Conditions:
Epidermolysis bullosa simplex with nail dystrophy (EBS5D). Identifiers: MedGen C4225309, MONDO:0014661, OMIM 616487.
Epidermolysis bullosa simplex, Ogna type (EBS5A). Also called: Pidermolysis bullosa simplex 5A, Ogna type; EPIDERMOLYSIS BULLOSA SIMPLEX 5A, OGNA TYPE. Identifiers: Orphanet 79401, MedGen C0432317, MONDO:0007555, OMIM 131950.
Autosomal recessive limb-girdle muscular dystrophy type 2Q (LGMDR17). Also called: MUSCULAR DYSTROPHY, LIMB-GIRDLE, AUTOSOMAL RECESSIVE 17. Identifiers: Orphanet 254361, MedGen C3150989, MONDO:0013390, OMIM 613723.
Epidermolysis bullosa simplex 5C, with pyloric atresia (EBS5C). Also called: PLEC-Related Epidermolysis Bullosa with Pyloric Atresia; Epidermolysis bullosa simplex with pyloric atresia; PLEC1-Related Epidermolysis Bullosa with Pyloric Atresia. Identifiers: Orphanet 158684, MedGen C2677349, MONDO:0012807, OMIM 612138.
Epidermolysis bullosa simplex 5B, with muscular dystrophy (EBS5B). Also called: EPIDERMOLYSIS BULLOSA SIMPLEX AND LIMB-GIRDLE MUSCULAR DYSTROPHY; Epidermolysis bullosa simplex with muscular dystrophy. Identifiers: Orphanet 257, MedGen C2931072, MONDO:0009181, OMIM 226670.
Inborn genetic diseases. Identifiers: MedGen C0950123, MeSH D030342.

Allele frequency attached by ClinVar (database versions not stated): TOPMed 0.00010; gnomAD 0.00013.
gnomAD v4.1: 204 of 1,602,394 alleles (0.013%); highest among the groups gnomAD compares: Non-Finnish European, 0.014%; no homozygotes.

Submissions (3):

Labcorp Genetics (formerly Invitae), Labcorp
Classification: Uncertain significance for Autosomal recessive limb-girdle muscular dystrophy type 2Q; Epidermolysis bullosa simplex, Ogna type; Epidermolysis bullosa simplex with nail dystrophy; Epidermolysis bullosa simplex 5C, with pyloric atresia; Epidermolysis bullosa simplex 5B, with muscular dystrophy. Last evaluated: 2026-01-08. Review status: criteria provided, single submitter. Criteria: Invitae Variant Classification Sherloc (09022015). Collection method: clinical testing. Allele origin: germline.
Comment: This sequence change replaces threonine, which is neutral and polar, with isoleucine, which is neutral and non-polar, at codon 848 of the PLEC protein (p.Thr848Ile). This variant is present in population databases (rs200686790, gnomAD 0.02%). This variant has not been reported in the literature in individuals affected with PLEC-related conditions. ClinVar contains an entry for this variant (Variation ID: 471553). Experimental studies and prediction algorithms are not available or were not evaluated, and the functional significance of this variant is currently unknown. In summary, the available evidence is currently insufficient to determine the role of this variant in disease. Therefore, it has been classified as a Variant of Uncertain Significance.

Ambry Genetics
Classification: Uncertain significance for Inborn genetic diseases. Last evaluated: 2025-08-09. Review status: criteria provided, single submitter. Criteria: Ambry Variant Classification Scheme 2023. Collection method: clinical testing. Allele origin: germline.

Revvity Omics, Revvity
Classification: Uncertain significance. Last evaluated: 2025-06-19. Review status: criteria provided, single submitter. Criteria: ACMG Guidelines, 2015. Collection method: clinical testing. Allele origin: germline.

NM_201384.3(PLEC):c.2462C>T (p.Thr821Ile)

Gene: PLEC (plectin; minus strand). Cytogenetic location: 8q24.3.
Variant type: single nucleotide variant.
Coding change: c.2462C>T on transcript NM_201384.3 (MANE Select); coding-DNA position 2462, C replaced by T.
Protein change: p.Thr821Ile; replaces threonine 821 with isoleucine.
Molecular consequence: missense variant.
Genome position (GRCh38, 1-based): chr8:143,930,294, G>A on the plus strand (C>T on the coding strand, the complement: PLEC is on the minus strand). VCF-style: chr8-143930294-G-A. GRCh37 (hg19) VCF-style: chr8-145004462-G-A.
Other names: c.2543C>T, p.Thr848Ile (NM_000445.5); c.2420C>T, p.Thr807Ile (NM_201378.4); c.2396C>T, p.Thr799Ile (NM_201379.3); c.2873C>T, p.Thr958Ile (NM_201380.4); c.2366C>T, p.Thr789Ile (NM_201381.3); c.2462C>T, p.Thr821Ile (NM_201382.4); c.2474C>T, p.Thr825Ile (NM_201383.3); c.2543C>T (NM_000445.3); short protein forms T807I, T825I, T958I, T789I, T848I, T799I, T821I.
Identifiers: ClinVar variation 471553 (VCV000471553.11), dbSNP rs200686790, ClinGen allele CA4927504.